The following is an entry in ClinVar:

ClinVar aggregate classification (germline): Uncertain significance (1 of 4 stars; one submission).

Submission:

GeneDx
Classification: Uncertain significance. Last evaluated: 2019-07-10. Review status: criteria provided, single submitter. Criteria: GeneDx Variant Classification Process June 2021. Collection method: clinical testing. Allele origin: germline. Affected: yes.
Comment: Not observed in large population cohorts (Lek et al., 2016); In silico analysis, which includes protein predictors and evolutionary conservation, supports that this variant does not alter protein structure/function; Has not been previously published as pathogenic or benign to our knowledge; This variant is associated with the following publications: (PMID: 32376980)

NM_032271.3(TRAF7):c.1089C>A (p.Asp363Glu)

Gene: TRAF7 (TNF receptor associated factor 7; plus strand). Cytogenetic location: 16p13.3.
Variant type: single nucleotide variant.
Coding change: c.1089C>A on transcript NM_032271.3 (MANE Select); coding-DNA position 1089, C replaced by A.
Protein change: p.Asp363Glu; replaces aspartic acid 363 with glutamic acid.
Molecular consequence: missense variant.
Genome position (GRCh38, 1-based): chr16:2,173,790, C>A. VCF-style: chr16-2173790-C-A. GRCh37 (hg19) VCF-style: chr16-2223791-C-A.
Other names: short protein forms D363E.
Identifiers: ClinVar variation 1307013 (VCV001307013.2), dbSNP rs368139413, ClinGen allele CA394327398.